The following is an entry in ClinVar:

ClinVar aggregate classification (germline): Benign. Review status: criteria provided, multiple submitters, no conflicts (2 of 4 stars). 4 submissions from 4 submitters: Benign (4). Last evaluated 2026-01-19.

Allele frequency attached by ClinVar (database versions not stated): TOPMed 0.01200; 1000 Genomes Project 0.01218; 1000 Genomes Project 30x 0.01296; gnomAD exomes 0.00107 and 0.00272; ExAC 0.00327; gnomAD 0.01067 and 0.01158; ESP Exome Variant Server 0.01169.
gnomAD v4.1: 3,280 of 1,613,994 alleles (0.2%); highest among the groups gnomAD compares: African/African-American, 3.8%; 56 homozygotes.

Submissions (4):

Labcorp Genetics (formerly Invitae), Labcorp
Classification: Benign. Last evaluated: 2026-01-19. Review status: criteria provided, single submitter. Criteria: Invitae Variant Classification Sherloc (09022015). Collection method: clinical testing. Allele origin: germline.

GeneDx
Classification: Benign. Last evaluated: 2018-02-26. Review status: criteria provided, single submitter. Criteria: GeneDx Variant Classification (06012015). Collection method: clinical testing. Allele origin: germline. Affected: yes.
Comment: This variant is considered likely benign or benign based on one or more of the following criteria: it is a conservative change, it occurs at a poorly conserved position in the protein, it is predicted to be benign by multiple in silico algorithms, and/or has population frequency not consistent with disease.

Laboratory for Molecular Medicine, Mass General Brigham Personalized Medicine
Classification: Benign. Last evaluated: 2012-05-07. Review status: criteria provided, single submitter. Criteria: LMM Criteria. Collection method: clinical testing. Allele origin: germline. Observed: 17 variant alleles.
Comment: "His237His in Exon 06 of HGF: This variant is not expected to have clinical sign ificance because it does not alter an amino acid residue, is not located within the splice consensus sequence, and has been identified in 3.4% (126/3736) of Afr ican American chromosomes from a broad population by the NHLBI Exome Sequencing Project (dbSNP rs5745666)."

Breakthrough Genomics
Classification: Benign. Review status: criteria provided, single submitter. Criteria: ACMG Guidelines, 2015. Collection method: not provided. Allele origin: germline. Inheritance: Autosomal recessive inheritance. Affected: yes.

NM_000601.6(HGF):c.711T>C (p.His237=)

Gene: HGF (hepatocyte growth factor; minus strand). Cytogenetic location: 7q21.11.
Variant type: single nucleotide variant.
Coding change: c.711T>C on transcript NM_000601.6 (MANE Select); coding-DNA position 711, T replaced by C.
Protein change: p.His237=; no amino-acid change (histidine 237 retained).
Molecular consequence: synonymous variant.
Genome position (GRCh38, 1-based): chr7:81,745,035, A>G on the plus strand (T>C on the coding strand, the complement: HGF is on the minus strand). VCF-style: chr7-81745035-A-G. GRCh37 (hg19) VCF-style: chr7-81374351-A-G.
Other names: c.711T>C, p.His237= (NM_001010931.3); c.696T>C, p.His232= (NM_001010932.3, NM_001010933.3).
Identifiers: ClinVar variation 43610 (VCV000043610.15), dbSNP rs5745666, ClinGen allele CA132820.